The following is an entry in ClinVar:

ClinVar aggregate classification (germline): Uncertain significance. Review status: criteria provided, multiple submitters, no conflicts (2 of 4 stars). 2 submissions from 2 submitters: Uncertain significance (2). Last evaluated 2025-11-03.

Conditions:
Inborn genetic diseases. Identifiers: MedGen C0950123, MeSH D030342.

Allele frequency attached by ClinVar (database versions not stated): gnomAD exomes below 0.00001; TOPMed 0.00002.

Submissions (2):

Ambry Genetics
Classification: Uncertain significance for Inborn genetic diseases. Last evaluated: 2025-11-03. Review status: criteria provided, single submitter. Criteria: Ambry Variant Classification Scheme 2023. Collection method: clinical testing. Allele origin: germline.

Labcorp Genetics (formerly Invitae), Labcorp
Classification: Uncertain significance. Last evaluated: 2024-11-05. Review status: criteria provided, single submitter. Criteria: Invitae Variant Classification Sherloc (09022015). Collection method: clinical testing. Allele origin: germline.
Comment: This sequence change replaces aspartic acid, which is acidic and polar, with histidine, which is basic and polar, at codon 338 of the PDE6A protein (p.Asp338His). This variant is not present in population databases (gnomAD no frequency). This variant has not been reported in the literature in individuals affected with PDE6A-related conditions. ClinVar contains an entry for this variant (Variation ID: 1369488). Invitae Evidence Modeling of protein sequence and biophysical properties (such as structural, functional, and spatial information, amino acid conservation, physicochemical variation, residue mobility, and thermodynamic stability) indicates that this missense variant is not expected to disrupt PDE6A protein function with a negative predictive value of 95%. In summary, the available evidence is currently insufficient to determine the role of this variant in disease. Therefore, it has been classified as a Variant of Uncertain Significance.

NM_000440.3(PDE6A):c.1012G>C (p.Asp338His)

Gene: PDE6A (phosphodiesterase 6A; minus strand). Cytogenetic location: 5q32.
Variant type: single nucleotide variant.
Coding change: c.1012G>C on transcript NM_000440.3 (MANE Select); coding-DNA position 1012, G replaced by C.
Protein change: p.Asp338His; replaces aspartic acid 338 with histidine.
Molecular consequence: missense variant.
Genome position (GRCh38, 1-based): chr5:149,907,365, C>G on the plus strand (G>C on the coding strand, the complement: PDE6A is on the minus strand). VCF-style: chr5-149907365-C-G. GRCh37 (hg19) VCF-style: chr5-149286928-C-G.
Other names: c.1012G>C (NM_000440.2); short protein forms D338H.
Identifiers: ClinVar variation 1369488 (VCV001369488.8), dbSNP rs1159625284, ClinGen allele CA361698850.